The following is an entry in ClinVar:

NM_001042492.3(NF1):c.5013C>G (p.Tyr1671Ter)

Gene: NF1 (neurofibromin 1; plus strand). Cytogenetic location: 17q11.2.
Variant type: single nucleotide variant.
Coding change: c.5013C>G on transcript NM_001042492.3 (MANE Select); coding-DNA position 5013, C replaced by G.
Protein change: p.Tyr1671Ter; replaces tyrosine 1671 with a stop codon.
Molecular consequence: nonsense.
Genome position (GRCh38, 1-based): chr17:31,325,997, C>G. VCF-style: chr17-31325997-C-G. GRCh37 (hg19) VCF-style: chr17-29653015-C-G.
Other names: c.4950C>G, p.Tyr1650Ter (NM_000267.4); short protein forms Y1650*, Y1671*.
Identifiers: ClinVar variation 825318 (VCV000825318.35), dbSNP rs1060500255, ClinGen allele CA399007316.

ClinVar aggregate classification (germline): Pathogenic. Review status: criteria provided, multiple submitters, no conflicts (2 of 4 stars). 3 submissions from 3 submitters: Pathogenic (3). Last evaluated 2023-11-03.

Conditions:
Hereditary cancer-predisposing syndrome. Also called: Tumor predisposition; Hereditary neoplastic syndrome; Neoplastic Syndromes, Hereditary; Hereditary Cancer Syndrome. Identifiers: Orphanet 140162, MedGen C0027672, MeSH D009386, MONDO:0015356.
Cardiovascular phenotype. Identifiers: MedGen CN230736.
Neurofibromatosis, type 1 (NF1). Also called: NEUROFIBROMATOSIS, TYPE I, SOMATIC; Peripheral type neurofibromatosis; Neurofibromatosis, type I; VON RECKLINGHAUSEN DISEASE. Identifiers: Orphanet 636, MedGen C0027831, MONDO:0018975, OMIM 162200. Disease mechanism: loss of function.

Submissions (3):

Labcorp Genetics (formerly Invitae), Labcorp
Classification: Pathogenic for Neurofibromatosis, type 1. Last evaluated: 2023-11-03. Review status: criteria provided, single submitter. Criteria: Invitae Variant Classification Sherloc (09022015). Collection method: clinical testing. Allele origin: germline.
Comment: This sequence change creates a premature translational stop signal (p.Tyr1650*) in the NF1 gene. It is expected to result in an absent or disrupted protein product. Loss-of-function variants in NF1 are known to be pathogenic (PMID: 10712197, 23913538). This variant is not present in population databases (gnomAD no frequency). This premature translational stop signal has been observed in individual(s) with neurofibromatosis type I (PMID: 22155606). ClinVar contains an entry for this variant (Variation ID: 825318). Algorithms developed to predict the effect of sequence changes on RNA splicing suggest that this variant may create or strengthen a splice site. For these reasons, this variant has been classified as Pathogenic.

CeGaT Center for Human Genetics Tuebingen
Classification: Pathogenic. Last evaluated: 2023-01-01. Review status: criteria provided, single submitter. Criteria: CeGaT Center For Human Genetics Tuebingen Variant Classification Criteria Version 2. Collection method: clinical testing. Allele origin: germline. Affected: yes. Observed: 1 variant allele.
Comment: NF1: PVS1, PM2, PP4

Ambry Genetics
Classification: Pathogenic for Cardiovascular phenotype; Hereditary cancer-predisposing syndrome. Last evaluated: 2019-03-04. Review status: criteria provided, single submitter. Criteria: Ambry Variant Classification Scheme 2023. Collection method: clinical testing. Allele origin: germline.
Comment: The p.Y1650* pathogenic mutation (also known as c.4950C>G), located in coding exon 36 of the NF1 gene, results from a C to G substitution at nucleotide position 4950. This changes the amino acid from a tyrosine to a stop codon within coding exon 36. This alteration is expected to result in loss of function by premature protein truncation or nonsense-mediated mRNA decay. As such, this alteration is interpreted as a disease-causing mutation.

Literature cited by the submitters: PubMed 10712197 (cited by Labcorp Genetics (formerly Invitae), Labcorp); PubMed 23913538 (cited by Labcorp Genetics (formerly Invitae), Labcorp); PubMed 22155606 (cited by Labcorp Genetics (formerly Invitae), Labcorp).